The following is an entry in ClinVar:

ClinVar aggregate classification (germline): Uncertain significance (1 of 4 stars; one submission).

Conditions:
Neuropathy, hereditary sensory and autonomic, type 2A (HSAN2A). Also called: HSAN IIA; MORVAN DISEASE; NEUROPATHY, CONGENITAL SENSORY; NEUROPATHY, HEREDITARY SENSORY RADICULAR, AUTOSOMAL RECESSIVE; NEUROPATHY, HEREDITARY SENSORY, TYPE IIA; NEUROPATHY, PROGRESSIVE SENSORY, OF CHILDREN. Identifiers: Orphanet 970, MedGen C2752089, MONDO:0024309, OMIM 201300.
Generalized epilepsy with febrile seizures plus, type 7 (GEFSP7). Also called: GEFS+, TYPE 7. Identifiers: Orphanet 36387, MedGen C2751778, MONDO:0013470, OMIM 613863.

Submission:

Labcorp Genetics (formerly Invitae), Labcorp
Classification: Uncertain significance for Neuropathy, hereditary sensory and autonomic, type 2A; Generalized epilepsy with febrile seizures plus, type 7. Last evaluated: 2019-02-04. Review status: criteria provided, single submitter. Criteria: Invitae Variant Classification Sherloc (09022015). Collection method: clinical testing. Allele origin: germline.
Comment: In summary, the available evidence is currently insufficient to determine the role of this variant in disease. Therefore, it has been classified as a Variant of Uncertain Significance. Algorithms developed to predict the effect of missense changes on protein structure and function are either unavailable or do not agree on the potential impact of this missense change (SIFT: "Deleterious"; PolyPhen-2: "Benign"; Align-GVGD: "Class C0"). This variant has not been reported in the literature in individuals with SCN9A-related conditions. This variant is not present in population databases (ExAC no frequency). This sequence change replaces aspartic acid with valine at codon 1920 of the SCN9A protein (p.Asp1920Val). The aspartic acid residue is highly conserved and there is a large physicochemical difference between aspartic acid and valine.

NM_001365536.1(SCN9A):c.5792A>T (p.Asp1931Val)

Genes: SCN1A-AS1 (SCN1A and SCN9A antisense RNA 1; plus strand), SCN9A (sodium voltage-gated channel alpha subunit 9; minus strand). Cytogenetic location: 2q24.3.
Variant type: single nucleotide variant.
Coding change: c.5792A>T on transcript NM_001365536.1 (MANE Select); coding-DNA position 5792, A replaced by T.
Protein change: p.Asp1931Val; replaces aspartic acid 1931 with valine.
Molecular consequence: missense variant.
Genome position (GRCh38, 1-based): chr2:166,198,847, T>A on the plus strand (A>T on the coding strand, the complement: SCN9A is on the minus strand). VCF-style: chr2-166198847-T-A. GRCh37 (hg19) VCF-style: chr2-167055357-T-A.
Other names: c.5759A>T, p.Asp1920Val (NM_002977.4); short protein forms D1920V, D1931V.
Identifiers: ClinVar variation 862511 (VCV000862511.10), dbSNP rs1693331271, ClinGen allele CA349051489.
Genomic context (GRCh38, chr2:166,198,847, plus strand): 5'-GATGAAGTGGCATCTGTTTTTTCTGGACTTGAGTTCTCATTAACATTATCAAAAGCCATA[T>A]CTTTTTTATTGAGTAAATCATCATCTCTGTCTCCATCTTTTATGTATATACTTGATATAT-3'
Protein context (NP_001352465.1, residues 1921-1941): DRDDDLLNKK[Asp1931Val]MAFDNVNENS